The following is an entry in ClinVar:

ClinVar aggregate classification (germline): Uncertain significance. Review status: criteria provided, single submitter (1 of 4 stars). 2 submissions from 2 submitters: Uncertain significance (1). 1 of the submissions does not count toward it. Last evaluated 2024-01-31.

Conditions:
Bardet-Biedl syndrome 11 (BBS11). Identifiers: Orphanet 110, MedGen C1859569, MONDO:0014439, OMIM 615988.
Sarcotubular myopathy (LGMDR8). Also called: Hutterite type of muscular dystrophy; Limb-girdle muscular dystrophy, type 2H; Autosomal recessive limb-girdle muscular dystrophy type 2H; MUSCULAR DYSTROPHY, LIMB-GIRDLE, AUTOSOMAL RECESSIVE 8. Identifiers: Orphanet 1878, MedGen C0270968, MONDO:0009683, OMIM 254110.
TRIM32-related disorder. Also called: TRIM32-related condition.

gnomAD v4.1: 9 of 1,614,034 alleles (0.00056%); highest among the groups gnomAD compares: East Asian, 0.011%; no homozygotes.

Submissions (2):

Fulgent Genetics
Classification: Uncertain significance for Sarcotubular myopathy; Bardet-Biedl syndrome 11. Last evaluated: 2024-01-31. Review status: criteria provided, single submitter. Criteria: ACMG Guidelines, 2015. Collection method: clinical testing. Allele origin: germline.

PreventionGenetics, part of Exact Sciences
Classification: Uncertain significance for TRIM32-related condition. Last evaluated: 2024-03-26. Review status: no assertion criteria provided. Collection method: clinical testing. Allele origin: germline. Not counted in ClinVar's aggregate classification.
Comment: The TRIM32 c.1030C>T variant is predicted to result in the amino acid substitution p.Arg344Trp. To our knowledge, this variant has not been reported in the literature. This variant is reported in 0.030% of alleles in individuals of East Asian descent in gnomAD. At this time, the clinical significance of this variant is uncertain due to the absence of conclusive functional and genetic evidence.

NM_012210.4(TRIM32):c.1030C>T (p.Arg344Trp)

Genes: ASTN2 (astrotactin 2; minus strand), TRIM32 (tripartite motif containing 32; plus strand). Cytogenetic location: 9q33.1.
Variant type: single nucleotide variant.
Coding change: c.1030C>T on transcript NM_012210.4 (MANE Select); coding-DNA position 1030, C replaced by T.
Protein change: p.Arg344Trp; replaces arginine 344 with tryptophan.
Molecular consequence: missense variant. On other transcripts: intron variant (3).
Genome position (GRCh38, 1-based): chr9:116,698,772, C>T. VCF-style: chr9-116698772-C-T. GRCh37 (hg19) VCF-style: chr9-119461051-C-T.
Other names: c.1030C>T, p.Arg344Trp (NM_001099679.2, NM_001379048.1, NM_001379049.1 and 1 more transcripts); c.2653+26999G>A (NM_014010.5); c.2794+26999G>A (NM_001365069.1); c.2806+26999G>A (NM_001365068.1); short protein forms R344W.
Identifiers: ClinVar variation 3351635 (VCV003351635.2).